The following is an entry in ClinVar:

ClinVar aggregate classification (germline): Uncertain significance. Review status: criteria provided, multiple submitters, no conflicts (2 of 4 stars). 2 submissions from 2 submitters: Uncertain significance (2). Last evaluated 2025-10-11.

Conditions:
Osteogenesis imperfecta type I (OI1). Also called: OI, TYPE I; OSTEOGENESIS IMPERFECTA TARDA; OSTEOGENESIS IMPERFECTA WITH BLUE SCLERAE; Osteogenesis imperfecta type 1; Lobstein's Disease; Lobstein disease. Identifiers: Orphanet 216796, Orphanet 666, MedGen C0023931, MONDO:0008146, OMIM 166200. Disease mechanism: loss of function.
Ehlers-Danlos syndrome, classic type, 1 (EDSCL1). Also called: EHLERS-DANLOS SYNDROME, GRAVIS TYPE; EHLERS-DANLOS SYNDROME, SEVERE CLASSIC TYPE; Ehlers-Danlos syndrome, type 1; EDS I; Ehlers-Danlos Syndrome, Classic Type, COL5A1-Related. Identifiers: MedGen C0268335, MONDO:0019567, OMIM 130000.

gnomAD v4.1: 8 of 1,613,274 alleles (0.0005%); highest among the groups gnomAD compares: Non-Finnish European, 0.00068%; no homozygotes.

Submissions (2):

Labcorp Genetics (formerly Invitae), Labcorp
Classification: Uncertain significance for Osteogenesis imperfecta type I; Ehlers-Danlos syndrome, classic type, 1. Last evaluated: 2025-10-11. Review status: criteria provided, single submitter. Criteria: Invitae Variant Classification Sherloc (09022015). Collection method: clinical testing. Allele origin: germline.
Comment: This sequence change replaces glutamic acid, which is acidic and polar, with aspartic acid, which is acidic and polar, at codon 1249 of the COL1A2 protein (p.Glu1249Asp). This variant is not present in population databases (gnomAD no frequency). This variant has not been reported in the literature in individuals affected with COL1A2-related conditions. ClinVar contains an entry for this variant (Variation ID: 1313560). Invitae Evidence Modeling of protein sequence and biophysical properties (such as structural, functional, and spatial information, amino acid conservation, physicochemical variation, residue mobility, and thermodynamic stability) indicates that this missense variant is not expected to disrupt COL1A2 protein function with a negative predictive value of 95%. In summary, the available evidence is currently insufficient to determine the role of this variant in disease. Therefore, it has been classified as a Variant of Uncertain Significance.

GeneDx
Classification: Uncertain significance. Last evaluated: 2020-10-23. Review status: criteria provided, single submitter. Criteria: GeneDx Variant Classification Process June 2021. Collection method: clinical testing. Allele origin: germline. Affected: yes.
Comment: Has not been previously published as pathogenic or benign to our knowledge; Not observed in large population cohorts (Lek et al., 2016); In silico analysis supports that this missense variant does not alter protein structure/function; Not located in the triple helical region, where the majority of pathogenic missense variants occur (Stenson et al., 2014)

NM_000089.4(COL1A2):c.3747A>C (p.Glu1249Asp)

Gene: COL1A2 (collagen type I alpha 2 chain; plus strand). Cytogenetic location: 7q21.3.
Variant type: single nucleotide variant.
Coding change: c.3747A>C on transcript NM_000089.4 (MANE Select); coding-DNA position 3747, A replaced by C.
Protein change: p.Glu1249Asp; replaces glutamic acid 1249 with aspartic acid.
Molecular consequence: missense variant.
Genome position (GRCh38, 1-based): chr7:94,429,223, A>C. VCF-style: chr7-94429223-A-C. GRCh37 (hg19) VCF-style: chr7-94058535-A-C.
Other names: short protein forms E1249D.
Identifiers: ClinVar variation 1313560 (VCV001313560.3), dbSNP rs1792349462, ClinGen allele CA368226658.
Genomic context (GRCh38, chr7:94,429,223, plus strand): 5'-TGGAATTTCATCCTATTTTCTGTAGTTTGAATATAATGTAGAAGGAGTGACTTCCAAGGA[A>C]ATGGCTACCCAACTTGCCTTCATGCGCCTGCTGGCCAACTATGCCTCTCAGAACATCACC-3'
Protein context (NP_000080.2, residues 1239-1259): EYNVEGVTSK[Glu1249Asp]MATQLAFMRL